The following is an entry in ClinVar:

NM_014915.3(ANKRD26):c.1727del (p.Asp576fs)

Gene: ANKRD26 (ankyrin repeat domain 26; minus strand). Cytogenetic location: 10p12.1.
Variant type: Deletion.
Coding change: c.1727del on transcript NM_014915.3 (MANE Select); coding-DNA position 1727, one base deleted (A; older notation c.1727delA).
Protein change: p.Asp576fs; shifts the reading frame from aspartic acid 576.
Molecular consequence: frameshift variant.
Genome position (GRCh38, 1-based): chr10:27,048,888, T deleted on the plus strand (A on the coding strand, the reverse complement: ANKRD26 is on the minus strand). VCF-style (leftmost placement, unchanged base first): chr10-27048887-AT-A. GRCh37 (hg19) VCF-style: chr10-27337816-AT-A.
Other names: c.1727del, p.Asp576fs (NM_001256053.2); short protein forms D576fs.
Identifiers: ClinVar variation 299744 (VCV000299744.8), dbSNP rs886046946, ClinGen allele CA10631566.

ClinVar aggregate classification (germline): Uncertain significance (1 of 4 stars; one submission).

Allele frequency attached by ClinVar (database versions not stated): gnomAD exomes below 0.00001.

Submission:

Labcorp Genetics (formerly Invitae), Labcorp
Classification: Uncertain significance. Last evaluated: 2023-10-17. Review status: criteria provided, single submitter. Criteria: Invitae Variant Classification Sherloc (09022015). Collection method: clinical testing. Allele origin: germline.
Comment: This sequence change creates a premature translational stop signal (p.Asp576Valfs*6) in the ANKRD26 gene. It is expected to result in an absent or disrupted protein product. However, the current clinical and genetic evidence is not sufficient to establish whether loss-of-function variants in ANKRD26 cause disease. This variant is not present in population databases (gnomAD no frequency). This variant has not been reported in the literature in individuals affected with ANKRD26-related conditions. ClinVar contains an entry for this variant (Variation ID: 299744). In summary, the available evidence is currently insufficient to determine the role of this variant in disease. Therefore, it has been classified as a Variant of Uncertain Significance.